The following is an entry in ClinVar:

ClinVar aggregate classification (germline): Uncertain significance. Review status: criteria provided, multiple submitters, no conflicts (2 of 4 stars). 4 submissions from 4 submitters: Uncertain significance (4). Last evaluated 2025-07-01.

Conditions:
KIZ-related disorder. Also called: KIZ-related condition.

Allele frequency attached by ClinVar (database versions not stated): ExAC 0.00004; gnomAD exomes 0.00004; gnomAD 0.00005 and 0.00006; ESP Exome Variant Server 0.00009; TOPMed 0.00009.
gnomAD v4.1: 64 of 1,466,268 alleles (0.0044%); highest among the groups gnomAD compares: Middle Eastern, 0.052%; no homozygotes.

Submissions (4):

PreventionGenetics, part of Exact Sciences
Classification: Uncertain significance for KIZ-related condition. Last evaluated: 2025-07-01. Review status: criteria provided, single submitter. Criteria: ACMG Guidelines, 2015. Collection method: clinical testing. Allele origin: germline.
Comment: The KIZ c.319G>A variant is predicted to result in the amino acid substitution p.Glu107Lys. To our knowledge, this variant has not been reported in the literature. This variant is reported in 0.025% of alleles in individuals of Latino descent in gnomAD. At this time, the clinical significance of this variant is uncertain due to the absence of conclusive functional and genetic evidence.

Ambry Genetics
Classification: Uncertain significance. Last evaluated: 2025-02-13. Review status: criteria provided, single submitter. Criteria: Ambry Variant Classification Scheme 2023. Collection method: clinical testing. Allele origin: germline.

Blueprint Genetics
Classification: Uncertain significance. Last evaluated: 2023-10-20. Review status: criteria provided, single submitter. Criteria: ACMG Guidelines, 2015. Collection method: clinical testing. Allele origin: germline.

Labcorp Genetics (formerly Invitae), Labcorp
Classification: Uncertain significance. Last evaluated: 2022-06-27. Review status: criteria provided, single submitter. Criteria: Invitae Variant Classification Sherloc (09022015). Collection method: clinical testing. Allele origin: germline.
Comment: This sequence change replaces glutamic acid, which is acidic and polar, with lysine, which is basic and polar, at codon 107 of the KIZ protein (p.Glu107Lys). This variant is present in population databases (rs200860166, gnomAD 0.02%). This variant has not been reported in the literature in individuals affected with KIZ-related conditions. ClinVar contains an entry for this variant (Variation ID: 858446). Experimental studies and prediction algorithms are not available or were not evaluated, and the functional significance of this variant is currently unknown. In summary, the available evidence is currently insufficient to determine the role of this variant in disease. Therefore, it has been classified as a Variant of Uncertain Significance.

NM_018474.6(KIZ):c.319G>A (p.Glu107Lys)

Gene: KIZ (kizuna centrosomal protein; plus strand). Cytogenetic location: 20p11.23.
Variant type: single nucleotide variant.
Coding change: c.319G>A on transcript NM_018474.6 (MANE Select); coding-DNA position 319, G replaced by A.
Protein change: p.Glu107Lys; replaces glutamic acid 107 with lysine.
Molecular consequence: missense variant. On other transcripts: 5 prime UTR variant (1), intron variant (1).
Genome position (GRCh38, 1-based): chr20:21,145,568, G>A. VCF-style: chr20-21145568-G-A. GRCh37 (hg19) VCF-style: chr20-21126209-G-A.
Other names: c.10G>A, p.Glu4Lys (NM_001163022.3, NM_001352435.2); c.172G>A, p.Glu58Lys (NM_001276389.2); c.319G>A, p.Glu107Lys (NM_001352434.2); c.-24G>A (NM_001352436.2); c.6+13409G>A (NM_001163023.3); c.319G>A (NM_018474.5); short protein forms E58K, E4K, E107K.
Identifiers: ClinVar variation 858446 (VCV000858446.10), dbSNP rs200860166, ClinGen allele CA9784631.